The following is an entry in ClinVar:

NM_001145809.2(MYH14):c.5776C>T (p.Leu1926Phe)

Gene: MYH14 (myosin heavy chain 14; plus strand). Cytogenetic location: 19q13.33.
Variant type: single nucleotide variant.
Coding change: c.5776C>T on transcript NM_001145809.2 (MANE Select); coding-DNA position 5776, C replaced by T.
Protein change: p.Leu1926Phe; replaces leucine 1926 with phenylalanine.
Molecular consequence: missense variant.
Genome position (GRCh38, 1-based): chr19:50,307,146, C>T. VCF-style: chr19-50307146-C-T. GRCh37 (hg19) VCF-style: chr19-50810403-C-T.
Other names: c.5677C>T, p.Leu1893Phe (NM_001077186.2); c.5653C>T, p.Leu1885Phe (NM_024729.4); short protein forms L1885F, L1893F, L1926F.
Identifiers: ClinVar variation 2507112 (VCV002507112.1), dbSNP rs1177450331, ClinGen allele CA406965470.

ClinVar aggregate classification (germline): Uncertain significance (1 of 4 stars; one submission).

Allele frequency attached by ClinVar (database versions not stated): gnomAD exomes below 0.00001.

Submission:

GeneDx
Classification: Uncertain significance. Last evaluated: 2022-12-30. Review status: criteria provided, single submitter. Criteria: GeneDx Variant Classification Process June 2021. Collection method: clinical testing. Allele origin: germline. Affected: yes.
Comment: Not observed at significant frequency in large population cohorts (gnomAD); In silico analysis supports that this missense variant does not alter protein structure/function; Has not been previously published as pathogenic or benign to our knowledge